The following is an entry in ClinVar:

NM_004183.4(BEST1):c.1348G>A (p.Val450Met)

Gene: BEST1 (bestrophin 1; plus strand). Cytogenetic location: 11q12.3.
Variant type: single nucleotide variant.
Coding change: c.1348G>A on transcript NM_004183.4 (MANE Select); coding-DNA position 1348, G replaced by A.
Protein change: p.Val450Met; replaces valine 450 with methionine.
Molecular consequence: missense variant. On other transcripts: non-coding transcript variant (1).
Genome position (GRCh38, 1-based): chr11:61,962,502, G>A. VCF-style: chr11-61962502-G-A. GRCh37 (hg19) VCF-style: chr11-61729974-G-A.
Other names: c.1168G>A, p.Val390Met (NM_001139443.3, NM_001300787.2); c.1087G>A, p.Val363Met (NM_001300786.2); c.1030G>A, p.Val344Met (NM_001363591.3); c.*243G>A (NM_001363592.2); c.376G>A, p.Val126Met (NM_001363593.3); short protein forms V126M, V344M, V363M, V390M, V450M.
Identifiers: ClinVar variation 1012574 (VCV001012574.44), dbSNP rs764761141, ClinGen allele CA6041042.

ClinVar aggregate classification (germline): Uncertain significance. Review status: criteria provided, multiple submitters, no conflicts (2 of 4 stars). 2 submissions from 2 submitters: Uncertain significance (2). Last evaluated 2022-07-26.

Allele frequency attached by ClinVar (database versions not stated): gnomAD exomes 0.00001.
gnomAD v4.1: 13 of 1,614,088 alleles (0.00081%); highest among the groups gnomAD compares: Non-Finnish European, 0.001%; no homozygotes.

Submissions (2):

Labcorp Genetics (formerly Invitae), Labcorp
Classification: Uncertain significance. Last evaluated: 2022-07-26. Review status: criteria provided, single submitter. Criteria: Invitae Variant Classification Sherloc (09022015). Collection method: clinical testing. Allele origin: germline.
Comment: This variant has not been reported in the literature in individuals affected with BEST1-related conditions. In summary, the available evidence is currently insufficient to determine the role of this variant in disease. Therefore, it has been classified as a Variant of Uncertain Significance. Advanced modeling of protein sequence and biophysical properties (such as structural, functional, and spatial information, amino acid conservation, physicochemical variation, residue mobility, and thermodynamic stability) performed at Invitae indicates that this missense variant is not expected to disrupt BEST1 protein function. ClinVar contains an entry for this variant (Variation ID: 1012574). This variant is present in population databases (rs764761141, gnomAD 0.004%). This sequence change replaces valine, which is neutral and non-polar, with methionine, which is neutral and non-polar, at codon 450 of the BEST1 protein (p.Val450Met).

CeGaT Center for Human Genetics Tuebingen
Classification: Uncertain significance. Last evaluated: 2021-02-01. Review status: criteria provided, single submitter. Criteria: CeGaT Center For Human Genetics Tuebingen Variant Classification Criteria Version 2. Collection method: clinical testing. Allele origin: germline. Affected: yes. Observed: 1 variant allele.